The following is an entry in ClinVar:

ClinVar aggregate classification (germline): Uncertain significance (1 of 4 stars; one submission).

Conditions:
Primary dilated cardiomyopathy (DCM). Also called: Dilated Cardiomyopathy. Identifiers: Orphanet 217604, MedGen C0007193, MeSH D002311, MONDO:0005021, HP:0001644. Inheritance: Various modes of inheritance.

Submission:

Labcorp Genetics (formerly Invitae), Labcorp
Classification: Uncertain significance for Primary dilated cardiomyopathy. Last evaluated: 2021-10-08. Review status: criteria provided, single submitter. Criteria: Invitae Variant Classification Sherloc (09022015). Collection method: clinical testing. Allele origin: germline.
Comment: This sequence change replaces alanine with glycine at codon 548 of the NEBL protein (p.Ala548Gly). The alanine residue is moderately conserved and there is a small physicochemical difference between alanine and glycine. This variant is not present in population databases (ExAC no frequency). In summary, the available evidence is currently insufficient to determine the role of this variant in disease. Therefore, it has been classified as a Variant of Uncertain Significance. Algorithms developed to predict the effect of missense changes on protein structure and function are either unavailable or do not agree on the potential impact of this missense change (SIFT: "Deleterious"; PolyPhen-2: "Probably Damaging"; Align-GVGD: "Class C0"). This variant has not been reported in the literature in individuals affected with NEBL-related conditions.

NM_006393.3(NEBL):c.1643C>G (p.Ala548Gly)

Gene: NEBL (nebulette; minus strand). Cytogenetic location: 10p12.31.
Variant type: single nucleotide variant.
Coding change: c.1643C>G on transcript NM_006393.3 (MANE Select); coding-DNA position 1643, C replaced by G.
Protein change: p.Ala548Gly; replaces alanine 548 with glycine.
Molecular consequence: missense variant. On other transcripts: intron variant (9).
Genome position (GRCh38, 1-based): chr10:20,831,224, G>C on the plus strand (C>G on the coding strand, the complement: NEBL is on the minus strand). VCF-style: chr10-20831224-G-C. GRCh37 (hg19) VCF-style: chr10-21120153-G-C.
Other names: c.250-18284C>G (NM_001377326.1, NM_001377327.1, NM_001377328.1); c.358-18284C>G (NM_213569.2, NM_001173484.2, NM_001377322.1); c.301-18284C>G (NM_001377324.1); c.292-18284C>G (NM_001377325.1); c.310-18284C>G (NM_001377323.1); short protein forms A548G.
Identifiers: ClinVar variation 1523697 (VCV001523697.6), dbSNP rs2130907056, ClinGen allele CA376097090.
Genomic context (GRCh38, chr10:20,831,224, plus strand): 5'-CACGATTCTGAGCATCTTCATTCATGACCAACCTGGCTATAGATTTCAGATGTCCTCTTG[G>C]CTCGAAGGATATCTGGGATATCCATGCTCACTTGCATTCCTTTCCCTTTAATTTCATTTT-3'
Protein context (NP_006384.1, residues 538-558): VSMDIPDILR[Ala548Gly]KRTSEIYSQR